The following is an entry in ClinVar:

NM_152703.5(SAMD9L):c.3844T>C (p.Tyr1282His)

Gene: SAMD9L (sterile alpha motif domain containing 9 like; minus strand). Cytogenetic location: 7q21.2.
Variant type: single nucleotide variant.
Coding change: c.3844T>C on transcript NM_152703.5 (MANE Select); coding-DNA position 3844, T replaced by C.
Protein change: p.Tyr1282His; replaces tyrosine 1282 with histidine.
Molecular consequence: missense variant.
Genome position (GRCh38, 1-based): chr7:93,132,128, A>G on the plus strand (T>C on the coding strand, the complement: SAMD9L is on the minus strand). VCF-style: chr7-93132128-A-G. GRCh37 (hg19) VCF-style: chr7-92761441-A-G.
Other names: c.3844T>C, p.Tyr1282His (NM_001303496.3, NM_001303497.3, NM_001303498.3 and 5 more transcripts); c.3844T>C (NM_152703.2); short protein forms Y1282H.
Identifiers: ClinVar variation 3690962 (VCV003690962.3).
Genomic context (GRCh38, chr7:93,132,128, plus strand): 5'-TCCTGAAACAACGACTGACTTTCTTGCTTAACATGATTTCTGCAATTTCTTTTTGGGTAT[A>G]CCTCATTTTCAGAAGAACCATATAATCAATAAAAAAGTCAAAGCACCTTTTCAGATCTGA-3'
Protein context (NP_689916.2, residues 1272-1292): IDYMVLLKMR[Tyr1282His]TQKEIAEIML

ClinVar aggregate classification (germline): Uncertain significance. Review status: criteria provided, multiple submitters, no conflicts (2 of 4 stars). 2 submissions from 2 submitters: Uncertain significance (2). Last evaluated 2026-03-15.

Conditions:
Inborn genetic diseases. Identifiers: MedGen C0950123, MeSH D030342.

Submissions (2):

Ambry Genetics
Classification: Uncertain significance for Inborn genetic diseases. Last evaluated: 2026-03-15. Review status: criteria provided, single submitter. Criteria: Ambry Variant Classification Scheme 2023. Collection method: clinical testing. Allele origin: germline.
Comment: The p.Y1282H variant (also known as c.3844T>C), located in coding exon 1 of the SAMD9L gene, results from a T to C substitution at nucleotide position 3844. The tyrosine at codon 1282 is replaced by histidine, an amino acid with similar properties. This amino acid position is conserved. In addition, this alteration is predicted to be tolerated by in silico analysis. Based on the available evidence, the clinical significance of this variant remains unclear.

Labcorp Genetics (formerly Invitae), Labcorp
Classification: Uncertain significance. Last evaluated: 2025-06-09. Review status: criteria provided, single submitter. Criteria: Invitae Variant Classification Sherloc (09022015). Collection method: clinical testing. Allele origin: germline.
Comment: This sequence change replaces tyrosine, which is neutral and polar, with histidine, which is basic and polar, at codon 1282 of the SAMD9L protein (p.Tyr1282His). This variant is not present in population databases (gnomAD no frequency). This variant has not been reported in the literature in individuals affected with SAMD9L-related conditions. ClinVar contains an entry for this variant (Variation ID: 3690962). Invitae Evidence Modeling of protein sequence and biophysical properties (such as structural, functional, and spatial information, amino acid conservation, physicochemical variation, residue mobility, and thermodynamic stability) indicates that this missense variant is not expected to disrupt SAMD9L protein function with a negative predictive value of 80%. In summary, the available evidence is currently insufficient to determine the role of this variant in disease. Therefore, it has been classified as a Variant of Uncertain Significance.